The following is an entry in ClinVar:

NM_003331.5(TYK2):c.2453G>A (p.Arg818His)

Gene: TYK2 (tyrosine kinase 2; minus strand). Cytogenetic location: 19p13.2.
Variant type: single nucleotide variant.
Coding change: c.2453G>A on transcript NM_003331.5 (MANE Select); coding-DNA position 2453, G replaced by A.
Protein change: p.Arg818His; replaces arginine 818 with histidine.
Molecular consequence: missense variant.
Genome position (GRCh38, 1-based): chr19:10,357,777, C>T on the plus strand (G>A on the coding strand, the complement: TYK2 is on the minus strand). VCF-style: chr19-10357777-C-T. GRCh37 (hg19) VCF-style: chr19-10468453-C-T.
Other names: short protein forms R818H.
Identifiers: ClinVar variation 852726 (VCV000852726.7), dbSNP rs145437969, ClinGen allele CA9193075.
Genomic context (GRCh38, chr19:10,357,777, plus strand): 5'-GGAGGGGCCCCCACTGCGGGGAGGGCCCAAGGGTCTCCTAGACATACCTCGGAGGGACTG[C>T]GGCTCTGCAGAGGGGCCTCTCCGTCAAAGCAGATCTCCAGGAGGGTGGCGCCAAACCCCC-3'
Protein context (NP_003322.3, residues 808-828): CFDGEAPLQS[Arg818His]SPSEKEHFYQ

ClinVar aggregate classification (germline): Uncertain significance (1 of 4 stars; one submission).

Conditions:
Immunodeficiency 35 (IMD35). Also called: TYK2 DEFICIENCY; HIES WITH ATYPICAL MYCOBACTERIOSIS, AUTOSOMAL RECESSIVE; HYPER-IgE SYNDROME WITH ATYPICAL MYCOBACTERIOSIS, AUTOSOMAL RECESSIVE; Susceptibility to infection due to TYK2 deficiency. Identifiers: Orphanet 331226, MedGen C1969086, MONDO:0012682, OMIM 611521.

Allele frequency attached by ClinVar (database versions not stated): gnomAD exomes 0.00006 and 0.00007; ExAC 0.00014; 1000 Genomes Project 30x 0.00031; gnomAD 0.00036 and 0.00039; ESP Exome Variant Server 0.00038; TOPMed 0.00039; 1000 Genomes Project 0.00040.

Submission:

Labcorp Genetics (formerly Invitae), Labcorp
Classification: Uncertain significance for Immunodeficiency 35. Last evaluated: 2022-08-09. Review status: criteria provided, single submitter. Criteria: Invitae Variant Classification Sherloc (09022015). Collection method: clinical testing. Allele origin: germline.
Comment: This sequence change replaces arginine, which is basic and polar, with histidine, which is basic and polar, at codon 818 of the TYK2 protein (p.Arg818His). This variant is present in population databases (rs145437969, gnomAD 0.1%). This variant has not been reported in the literature in individuals affected with TYK2-related conditions. ClinVar contains an entry for this variant (Variation ID: 852726). Algorithms developed to predict the effect of missense changes on protein structure and function output the following: SIFT: "Not Available"; PolyPhen-2: "Benign"; Align-GVGD: "Not Available". The histidine amino acid residue is found in multiple mammalian species, which suggests that this missense change does not adversely affect protein function. In summary, the available evidence is currently insufficient to determine the role of this variant in disease. Therefore, it has been classified as a Variant of Uncertain Significance.